The following is an entry in ClinVar:

NM_001734.5(C1S):c.1766T>C (p.Val589Ala)

Gene: C1S (complement C1s; plus strand). Cytogenetic location: 12p13.31.
Variant type: single nucleotide variant.
Coding change: c.1766T>C on transcript NM_001734.5 (MANE Select); coding-DNA position 1766, T replaced by C.
Protein change: p.Val589Ala; replaces valine 589 with alanine.
Molecular consequence: missense variant.
Genome position (GRCh38, 1-based): chr12:7,070,350, T>C. VCF-style: chr12-7070350-T-C. GRCh37 (hg19) VCF-style: chr12-7177654-T-C.
Other names: c.1265T>C, p.Val422Ala (NM_001346850.2); c.1766T>C, p.Val589Ala (NM_201442.4); short protein forms V422A, V589A.
Identifiers: ClinVar variation 4746525 (VCV004746525.1).

ClinVar aggregate classification (germline): Uncertain significance (1 of 4 stars; one submission).

Submission:

Labcorp Genetics (formerly Invitae), Labcorp
Classification: Uncertain significance. Last evaluated: 2025-12-06. Review status: criteria provided, single submitter. Criteria: Invitae Variant Classification Sherloc (09022015). Collection method: clinical testing. Allele origin: germline.
Comment: This sequence change replaces valine, which is neutral and non-polar, with alanine, which is neutral and non-polar, at codon 589 of the C1S protein (p.Val589Ala). This variant is not present in population databases (gnomAD no frequency). This variant has not been reported in the literature in individuals affected with C1S-related conditions. Invitae Evidence Modeling of protein sequence and biophysical properties (such as structural, functional, and spatial information, amino acid conservation, physicochemical variation, residue mobility, and thermodynamic stability) indicates that this missense variant is not expected to disrupt C1S protein function with a negative predictive value of 80%. In summary, the available evidence is currently insufficient to determine the role of this variant in disease. Therefore, it has been classified as a Variant of Uncertain Significance.